The following is an entry in ClinVar:

NM_002755.4(MAP2K1):c.800A>T (p.Asp267Val)

Gene: MAP2K1 (mitogen-activated protein kinase kinase 1; plus strand). Cytogenetic location: 15q22.31.
Variant type: single nucleotide variant.
Coding change: c.800A>T on transcript NM_002755.4 (MANE Select); coding-DNA position 800, A replaced by T.
Protein change: p.Asp267Val; replaces aspartic acid 267 with valine.
Molecular consequence: missense variant.
Genome position (GRCh38, 1-based): chr15:66,485,096, A>T. VCF-style: chr15-66485096-A-T. GRCh37 (hg19) VCF-style: chr15-66777434-A-T.
Other names: c.656A>T, p.Asp219Val (NM_001411065.1); short protein forms D219V, D267V.
Identifiers: ClinVar variation 2055758 (VCV002055758.4), dbSNP rs2140674813, ClinGen allele CA392937230.

ClinVar aggregate classification (germline): Uncertain significance (1 of 4 stars; one submission).

Conditions:
RASopathy. Also called: rasopathies; Noonan spectrum disorder. Identifiers: Orphanet 536391, MedGen C5555857, MONDO:0021060.

Submission:

Labcorp Genetics (formerly Invitae), Labcorp
Classification: Uncertain significance for RASopathy. Last evaluated: 2021-12-23. Review status: criteria provided, single submitter. Criteria: Invitae Variant Classification Sherloc (09022015). Collection method: clinical testing. Allele origin: germline.
Comment: Advanced modeling of protein sequence and biophysical properties (such as structural, functional, and spatial information, amino acid conservation, physicochemical variation, residue mobility, and thermodynamic stability) performed at Invitae indicates that this missense variant is not expected to disrupt MAP2K1 protein function. This sequence change replaces aspartic acid, which is acidic and polar, with valine, which is neutral and non-polar, at codon 267 of the MAP2K1 protein (p.Asp267Val). This variant is not present in population databases (gnomAD no frequency). This variant has not been reported in the literature in individuals affected with MAP2K1-related conditions. In summary, the available evidence is currently insufficient to determine the role of this variant in disease. Therefore, it has been classified as a Variant of Uncertain Significance.